The following is an entry in ClinVar:

NM_001368894.2(PAX6):c.871C>T (p.Gln291Ter)

Gene: PAX6 (paired box 6; minus strand). Cytogenetic location: 11p13.
Variant type: single nucleotide variant.
Coding change: c.871C>T on transcript NM_001368894.2 (MANE Select); coding-DNA position 871, C replaced by T.
Protein change: p.Gln291Ter; replaces glutamine 291 with a stop codon.
Molecular consequence: nonsense. On other transcripts: non-coding transcript variant (2).
Genome position (GRCh38, 1-based): chr11:31,793,739, G>A on the plus strand (C>T on the coding strand, the complement: PAX6 is on the minus strand). VCF-style: chr11-31793739-G-A. GRCh37 (hg19) VCF-style: chr11-31815287-G-A.
Other names: c.670C>T, p.Gln224Ter (NM_001368924.2, NM_001368925.2, NM_001368926.2 and 4 more transcripts); c.628C>T, p.Gln210Ter (NM_001368928.2); c.421C>T, p.Gln141Ter (NM_001368929.2, NM_001310160.2, NM_001310161.3 and 11 more transcripts); c.226C>T, p.Gln76Ter (NM_001368930.2); c.871C>T, p.Gln291Ter (NM_001604.6, NM_001258462.3, NM_001258463.2 and 6 more transcripts); c.829C>T, p.Gln277Ter (NM_000280.6, NM_001127612.3, NM_001258464.2 and 10 more transcripts); c.1072C>T, p.Gln358Ter (NM_001368910.2); c.874C>T, p.Gln292Ter (NM_001368911.2); and 3 more; short protein forms Q292*, Q358*, Q224*, Q302*, Q76*, Q141*, Q210*, Q277*.
Identifiers: ClinVar variation 800460 (VCV000800460.3), dbSNP rs1592415563, ClinGen allele CA379956439.

ClinVar aggregate classification (germline): Pathogenic. Review status: criteria provided, single submitter (1 of 4 stars). 2 submissions from 2 submitters: Pathogenic (1). 1 of the submissions does not count toward it. Last evaluated 2025-05-23.

Conditions:
Aniridia 1 (AN1). Identifiers: Orphanet 250923, MedGen C0344542, MONDO:0024507, OMIM 106210.
PAX6-related disorder. Also called: PAX6-related disorders; PAX6-related condition.

Submissions (2):

PreventionGenetics, part of Exact Sciences
Classification: Pathogenic for PAX6-related condition. Last evaluated: 2025-05-23. Review status: criteria provided, single submitter. Criteria: ACMG Guidelines, 2015. Collection method: clinical testing. Allele origin: germline.
Comment: The PAX6 c.871C>T variant is predicted to result in premature protein termination (p.Gln291*). This variant can also be denoted as c.829C>T (p.Gln277*) using transcript NM_000280.4. This variant has been reported in individuals with aniridia (Atchaneeyasakul et al. 2006. PubMed ID: 16543198; Cross et al. 2020. PubMed ID: 32360764). This variant is absent in a large population database (gnomAD), indicating this variant is rare. Nonsense variants in PAX6 are an established mechanism of disease. This variant is interpreted as pathogenic.

Wessex Regional Genetics Laboratory, Salisbury District Hospital
Classification: Pathogenic for Aniridia 1. Last evaluated: 2019-08-15. Review status: no assertion criteria provided. Criteria: ACMG Guidelines, 2015. Collection method: clinical testing. Allele origin: unknown. Inheritance: Autosomal dominant inheritance. Affected: yes. Not counted in ClinVar's aggregate classification.